The following is an entry in ClinVar:

ClinVar aggregate classification (germline): Uncertain significance. Review status: criteria provided, multiple submitters, no conflicts (2 of 4 stars). 2 submissions from 2 submitters: Uncertain significance (2). Last evaluated 2024-12-15.

Conditions:
Inborn genetic diseases. Identifiers: MedGen C0950123, MeSH D030342.

Allele frequency attached by ClinVar (database versions not stated): TOPMed 0.00013; gnomAD 0.00022 and 0.00024; gnomAD exomes 0.00011; ExAC 0.00012.
gnomAD v4.1: 226 of 1,613,690 alleles (0.014%); highest among the groups gnomAD compares: Non-Finnish European, 0.018%; 1 homozygote.

Submissions (5):

Labcorp Genetics (formerly Invitae), Labcorp
Classification: Uncertain significance. Last evaluated: 2024-12-15. Review status: criteria provided, single submitter. Criteria: Invitae Variant Classification Sherloc (09022015). Collection method: clinical testing. Allele origin: germline.
Comment: This sequence change replaces alanine, which is neutral and non-polar, with glycine, which is neutral and non-polar, at codon 404 of the MFSD2A protein (p.Ala404Gly). This variant is present in population databases (rs199769368, gnomAD 0.03%). This variant has not been reported in the literature in individuals affected with MFSD2A-related conditions. ClinVar contains an entry for this variant (Variation ID: 1428522). Invitae Evidence Modeling of protein sequence and biophysical properties (such as structural, functional, and spatial information, amino acid conservation, physicochemical variation, residue mobility, and thermodynamic stability) indicates that this missense variant is not expected to disrupt MFSD2A protein function with a negative predictive value of 80%. In summary, the available evidence is currently insufficient to determine the role of this variant in disease. Therefore, it has been classified as a Variant of Uncertain Significance.

Ambry Genetics
Classification: Uncertain significance for Inborn genetic diseases. Last evaluated: 2022-09-14. Review status: criteria provided, single submitter. Criteria: Ambry Variant Classification Scheme 2023. Collection method: clinical testing. Allele origin: germline.

Dr. Peter K. Rogan Lab, Western University
No classification provided (evidence only). Condition: Malignant tumor of urinary bladder. Review status: no classification provided. Collection method: in vitro. Allele origin: not applicable. Functional consequence: retained intron. Not counted in ClinVar's aggregate classification.

Dr. Peter K. Rogan Lab, Western University
No classification provided (evidence only). Condition: Familial cancer of breast. Review status: no classification provided. Collection method: in vitro. Allele origin: not applicable. Functional consequence: retained intron. Not counted in ClinVar's aggregate classification.

Dr. Peter K. Rogan Lab, Western University
No classification provided (evidence only). Condition: Gastric cancer. Review status: no classification provided. Collection method: in vitro. Allele origin: not applicable. Functional consequence: retained intron. Not counted in ClinVar's aggregate classification.

NM_032793.5(MFSD2A):c.1172C>G (p.Ala391Gly)

Gene: MFSD2A (MFSD2 lysolipid transporter A, lysophospholipid; plus strand). Cytogenetic location: 1p34.2.
Variant type: single nucleotide variant.
Coding change: c.1172C>G on transcript NM_032793.5 (MANE Select); coding-DNA position 1172, C replaced by G.
Protein change: p.Ala391Gly; replaces alanine 391 with glycine.
Molecular consequence: missense variant.
Genome position (GRCh38, 1-based): chr1:39,967,880, C>G. VCF-style: chr1-39967880-C-G. GRCh37 (hg19) VCF-style: chr1-40433552-C-G.
Other names: c.1211C>G, p.Ala404Gly (NM_001136493.3); c.704C>G, p.Ala235Gly (NM_001287808.2); c.1055C>G, p.Ala352Gly (NM_001287809.2); c.1166C>G, p.Ala389Gly (NM_001349821.2); c.1088C>G, p.Ala363Gly (NM_001349822.2); c.827C>G, p.Ala276Gly (NM_001349823.2); c.1211C>G (NM_001136493.1); short protein forms A352G, A235G, A389G, A391G, A276G, A404G, A363G.
Identifiers: ClinVar variation 1428522 (VCV001428522.7), dbSNP rs199769368, ClinGen allele CA788916.
Genomic context (GRCh38, chr1:39,967,880, plus strand): 5'-TCATCTTGGTGGCCCTCATGGAGAGTAACCTCATCATTACATATGCGGTAGCTGTGGCAG[C>G]TGGCATCAGTGTGGCAGCTGCCTTCTTACTACCCTGGTAGGTATATACAGGCCCCCCTCC-3'
Protein context (NP_116182.2, residues 381-401): LIITYAVAVA[Ala391Gly]GISVAAAFLL